The following is an entry in ClinVar:

ClinVar aggregate classification (germline): Likely pathogenic (1 of 4 stars; one submission).

Allele frequency attached by ClinVar (database versions not stated): ExAC 0.00001; gnomAD exomes 0.00001.
gnomAD v4.1: 7 of 1,608,726 alleles (0.00044%); highest among the groups gnomAD compares: East Asian, 0.016%; no homozygotes.

Submission:

Labcorp Genetics (formerly Invitae), Labcorp
Classification: Likely pathogenic. Last evaluated: 2024-01-08. Review status: criteria provided, single submitter. Criteria: Invitae Variant Classification Sherloc (09022015). Collection method: clinical testing. Allele origin: germline.
Comment: This sequence change affects an acceptor splice site in intron 19 of the SLC26A3 gene. It is expected to disrupt RNA splicing. Variants that disrupt the donor or acceptor splice site typically lead to a loss of protein function (PMID: 16199547), and loss-of-function variants in SLC26A3 are known to be pathogenic (PMID: 9718329, 21394828). This variant is present in population databases (rs755589533, gnomAD 0.006%). This variant has not been reported in the literature in individuals affected with SLC26A3-related conditions. Algorithms developed to predict the effect of sequence changes on RNA splicing suggest that this variant may disrupt the consensus splice site. In summary, the currently available evidence indicates that the variant is pathogenic, but additional data are needed to prove that conclusively. Therefore, this variant has been classified as Likely Pathogenic.

Literature cited by the submitters: PubMed 16199547; PubMed 9718329; PubMed 21394828.

NM_000111.3(SLC26A3):c.2206-2A>G

Gene: SLC26A3 (solute carrier family 26 member 3; minus strand). Cytogenetic location: 7q22.3.
Variant type: single nucleotide variant.
Coding change: c.2206-2A>G on transcript NM_000111.3 (MANE Select); the canonical splice acceptor site of the intron before coding-DNA position 2206, A replaced by G.
Molecular consequence: splice acceptor variant.
Genome position (GRCh38, 1-based): chr7:107,767,646, T>C on the plus strand (A>G on the coding strand, the complement: SLC26A3 is on the minus strand). VCF-style: chr7-107767646-T-C. GRCh37 (hg19) VCF-style: chr7-107408091-T-C.
Identifiers: ClinVar variation 2983807 (VCV002983807.3), dbSNP rs755589533, ClinGen allele CA4433539.